The following is an entry in ClinVar:

NM_001370259.2(MEN1):c.207del (p.Asp70fs)

Gene: MEN1 (menin 1; minus strand). Cytogenetic location: 11q13.1.
Variant type: Deletion.
Coding change: c.207del on transcript NM_001370259.2 (MANE Select); coding-DNA position 207, one base deleted (C; older notation c.207delC).
Protein change: p.Asp70fs; shifts the reading frame from aspartic acid 70.
Molecular consequence: frameshift variant.
Genome position (GRCh38, 1-based): chr11:64,809,903, G deleted on the plus strand (C on the coding strand, the reverse complement: MEN1 is on the minus strand); the first of 5 consecutive G bases (chr11:64,809,903-64,809,907); deleting any one gives the same sequence. VCF-style (leftmost placement, unchanged base first): chr11-64809902-CG-C. GRCh37 (hg19) VCF-style: chr11-64577374-CG-C.
Other names: c.207del, p.Asp70fs (NM_001370262.2, NM_001370263.2, NM_130799.3 and 9 more transcripts); c.207delC (NM_130799.2); short protein forms D70fs.
Identifiers: ClinVar variation 372643 (VCV000372643.6), dbSNP rs1057517902, ClinGen allele CA16042759.

ClinVar aggregate classification (germline): Pathogenic. Review status: criteria provided, multiple submitters, no conflicts (2 of 4 stars). 2 submissions from 2 submitters: Pathogenic (2). Last evaluated 2024-12-26.

Conditions:
Multiple endocrine neoplasia, type 1 (MEN1). Also called: MEN I; WERMER SYNDROME; MEA I; Endocrine adenomatosis multiple; MEN 1. Identifiers: Orphanet 652, MedGen C0025267, MeSH D018761, MONDO:0007540, OMIM 131100.

Submissions (2):

Labcorp Genetics (formerly Invitae), Labcorp
Classification: Pathogenic for Multiple endocrine neoplasia, type 1. Last evaluated: 2024-12-26. Review status: criteria provided, single submitter. Criteria: Invitae Variant Classification Sherloc (09022015). Collection method: clinical testing. Allele origin: germline.
Comment: This sequence change creates a premature translational stop signal (p.Asp70Thrfs*49) in the MEN1 gene. It is expected to result in an absent or disrupted protein product. Loss-of-function variants in MEN1 are known to be pathogenic (PMID: 12112656, 17853334). This variant is not present in population databases (gnomAD no frequency). This premature translational stop signal has been observed in individual(s) with multiple endocrine neoplasia type 1 (PMID: 9215689, 23542451). ClinVar contains an entry for this variant (Variation ID: 372643). For these reasons, this variant has been classified as Pathogenic.

GeneDx
Classification: Pathogenic. Last evaluated: 2016-11-22. Review status: criteria provided, single submitter. Criteria: GeneDx Variant Classification (06012015). Collection method: clinical testing. Allele origin: germline. Affected: yes.
Comment: The c.207del C variant in the MEN1 gene has been reported previously in association with multiple endocrine neoplasia type I (MEN1) (for examples, see Agarwal et al., 1997; White et al., 2010; Sala et al., 2013). This deletion causes a frameshift starting with codon Aspartic Acid 70, changes this amino acid to a Threonine residue and creates a premature Stop codon at position 49 of the new reading frame, denoted p.Asp70ThrfsX49. This variant is predicted to cause loss of normal protein function either through protein truncation or nonsense-mediated mRNA decay. Based on currently available evidence, we consider c.207delC to be pathogenic.

Literature cited by the submitters: PubMed 12112656 (cited by Labcorp Genetics (formerly Invitae), Labcorp); PubMed 17853334 (cited by Labcorp Genetics (formerly Invitae), Labcorp); PubMed 9215689 (cited by Labcorp Genetics (formerly Invitae), Labcorp); PubMed 23542451 (cited by Labcorp Genetics (formerly Invitae), Labcorp).